The following is an entry in ClinVar:

ClinVar aggregate classification (germline): Likely benign. Review status: criteria provided, multiple submitters, no conflicts (2 of 4 stars). 3 submissions from 3 submitters: Likely benign (3). Last evaluated 2026-02-05.

Conditions:
EYS-related disorder. Also called: EYS-related condition.

Allele frequency attached by ClinVar (database versions not stated): TOPMed 0.00006; gnomAD 0.00008 and 0.00009.

Submissions (3):

PreventionGenetics, part of Exact Sciences
Classification: Likely benign for EYS-related condition. Last evaluated: 2026-02-05. Review status: criteria provided, single submitter. Criteria: ACMG Guidelines, 2015. Collection method: clinical testing. Allele origin: germline.
Comment: This variant is classified as likely benign based on ACMG/AMP sequence variant interpretation guidelines (Richards et al. 2015 PMID: 25741868, with internal and published modifications).

Labcorp Genetics (formerly Invitae), Labcorp
Classification: Likely benign. Last evaluated: 2026-01-24. Review status: criteria provided, single submitter. Criteria: Invitae Variant Classification Sherloc (09022015). Collection method: clinical testing. Allele origin: germline.

Blueprint Genetics
Classification: Likely benign. Last evaluated: 2024-11-21. Review status: criteria provided, single submitter. Criteria: ACMG Guidelines, 2015. Collection method: clinical testing. Allele origin: germline.

NM_001142800.2(EYS):c.2023+6_2023+7insG

Gene: EYS (EGF-like photoreceptor maintenance factor; minus strand). Cytogenetic location: 6q12.
Variant type: Insertion.
Coding change: c.2023+6_2023+7insG on transcript NM_001142800.2 (MANE Select); bases 6 to 7 of the intron after coding-DNA position 2023, G inserted.
Molecular consequence: intron variant.
Genome position: GRCh38 VCF-style: chr6-65295856-A-AC. GRCh37 (hg19) VCF-style: chr6-66005749-A-AC.
Other names: c.2023+6_2023+7insG (NM_001292009.2).
Identifiers: ClinVar variation 799468 (VCV000799468.12), dbSNP rs397797960, ClinGen allele CA3877351.